The following is an entry in ClinVar:

ClinVar aggregate classification (germline): Likely benign (0 of 4 stars; one submission).

Conditions:
NCOA1-related disorder. Also called: NCOA1-related condition.

Allele frequency attached by ClinVar (database versions not stated): TOPMed below 0.00001; gnomAD 0.00001; gnomAD exomes 0.00001.
gnomAD v4.1: 10 of 1,613,516 alleles (0.00062%); highest among the groups gnomAD compares: Middle Eastern, 0.066%; no homozygotes.

Submission:

PreventionGenetics, part of Exact Sciences
Classification: Likely benign for NCOA1-related condition. Last evaluated: 2022-01-10. Review status: no assertion criteria provided. Collection method: clinical testing. Allele origin: germline.
Comment: This variant is classified as likely benign based on ACMG/AMP sequence variant interpretation guidelines (Richards et al. 2015 PMID: 25741868, with internal and published modifications).

NM_003743.5(NCOA1):c.89+4G>A

Gene: NCOA1 (nuclear receptor coactivator 1; plus strand). Cytogenetic location: 2p23.3.
Variant type: single nucleotide variant.
Coding change: c.89+4G>A on transcript NM_003743.5 (MANE Select); 4 bases into the intron after coding-DNA position 89, G replaced by A.
Molecular consequence: intron variant.
Genome position (GRCh38, 1-based): chr2:24,658,770, G>A. VCF-style: chr2-24658770-G-A. GRCh37 (hg19) VCF-style: chr2-24881639-G-A.
Other names: c.89+4G>A (NM_001362950.1, NM_147223.3, NM_001362955.1 and 3 more transcripts).
Identifiers: ClinVar variation 3036599 (VCV003036599.2), dbSNP rs1671055322, ClinGen allele CA425166738.
Genomic context (GRCh38, chr2:24,658,770, plus strand): 5'-TGCTAACCCAGACTCACATAAGAGGAAAGGATCGCCATGTGACACACTGGCATCAAGGTA[G>A]GAACACTCCTCTTAGTCTATTTTTGGCAGAGCTGCTTTATTACTTTCACTGCCACTTCAG-3'